The following is an entry in ClinVar:

NM_198253.3(TERT):c.1116G>A (p.Met372Ile)

Gene: TERT (telomerase reverse transcriptase; minus strand). Cytogenetic location: 5p15.33.
Variant type: single nucleotide variant.
Coding change: c.1116G>A on transcript NM_198253.3 (MANE Select); coding-DNA position 1116, G replaced by A.
Protein change: p.Met372Ile; replaces methionine 372 with isoleucine.
Molecular consequence: missense variant. On other transcripts: non-coding transcript variant (2).
Genome position (GRCh38, 1-based): chr5:1,293,770, C>T on the plus strand (G>A on the coding strand, the complement: TERT is on the minus strand). VCF-style: chr5-1293770-C-T. GRCh37 (hg19) VCF-style: chr5-1293885-C-T.
Other names: c.1116G>A, p.Met372Ile (NM_001193376.3, NM_003219.1); short protein forms M372I.
Identifiers: ClinVar variation 3238546 (VCV003238546.1), dbSNP rs1751162193.

ClinVar aggregate classification (germline): Uncertain significance (1 of 4 stars; one submission).

Conditions:
Dyskeratosis congenita. Identifiers: Orphanet 1775, MedGen C0265965, MONDO:0015780.

Submission:

Ambry Genetics
Classification: Uncertain significance for Dyskeratosis congenita. Last evaluated: 2023-12-24. Review status: criteria provided, single submitter. Criteria: Ambry Variant Classification Scheme 2023. Collection method: clinical testing. Allele origin: germline.
Comment: The p.M372I variant (also known as c.1116G>A), located in coding exon 2 of the TERT gene, results from a G to A substitution at nucleotide position 1116. The methionine at codon 372 is replaced by isoleucine, an amino acid with highly similar properties. This amino acid position is conserved. In addition, this alteration is predicted to be tolerated by in silico analysis. Since supporting evidence is limited at this time, the clinical significance of this alteration remains unclear.